The following is an entry in ClinVar:

NM_138775.3(ALKBH8):c.372G>A (p.Gln124=)

Gene: ALKBH8 (alkB homolog 8, tRNA methyltransferase; minus strand). Cytogenetic location: 11q22.3.
Variant type: single nucleotide variant.
Coding change: c.372G>A on transcript NM_138775.3 (MANE Select); coding-DNA position 372, G replaced by A.
Protein change: p.Gln124=; no amino-acid change (glutamine 124 retained).
Molecular consequence: synonymous variant. On other transcripts: non-coding transcript variant (3).
Genome position (GRCh38, 1-based): chr11:107,553,974, C>T on the plus strand (G>A on the coding strand, the complement: ALKBH8 is on the minus strand). VCF-style: chr11-107553974-C-T. GRCh37 (hg19) VCF-style: chr11-107424700-C-T.
Other names: c.372G>A, p.Gln124= (NM_001301010.3, NM_001378133.1).
Identifiers: ClinVar variation 4821988 (VCV004821988.4).

ClinVar aggregate classification (germline): Likely benign (1 of 4 stars; one submission).

gnomAD v4.1: 20 of 1,613,518 alleles (0.0012%); highest among the groups gnomAD compares: South Asian, 0.021%; no homozygotes.

Submission:

CeGaT Center for Human Genetics Tuebingen
Classification: Likely benign. Last evaluated: 2026-02-01. Review status: criteria provided, single submitter. Criteria: CeGaT Center For Human Genetics Tuebingen Variant Classification Criteria Version 2. Collection method: clinical testing. Allele origin: germline. Affected: yes. Observed: 1 variant allele.
Comment: ALKBH8: BP4, BP7